The following is an entry in ClinVar:

ClinVar aggregate classification (germline): Uncertain significance. Review status: criteria provided, multiple submitters, no conflicts (2 of 4 stars). 2 submissions from 2 submitters: Uncertain significance (2). Last evaluated 2025-09-10.

Conditions:
Inborn genetic diseases. Identifiers: MedGen C0950123, MeSH D030342.

Allele frequency attached by ClinVar (database versions not stated): gnomAD exomes 0.00001 and 0.00006; ExAC 0.00008; ESP Exome Variant Server 0.00016; gnomAD 0.00022 and 0.00024; TOPMed 0.00023.
gnomAD v4.1: 47 of 1,613,484 alleles (0.0029%); highest among the groups gnomAD compares: African/African-American, 0.06%; no homozygotes.

Submissions (2):

Labcorp Genetics (formerly Invitae), Labcorp
Classification: Uncertain significance. Last evaluated: 2025-09-10. Review status: criteria provided, single submitter. Criteria: Invitae Variant Classification Sherloc (09022015). Collection method: clinical testing. Allele origin: germline.
Comment: This sequence change replaces glutamic acid, which is acidic and polar, with alanine, which is neutral and non-polar, at codon 1186 of the POLR1A protein (p.Glu1186Ala). This variant is present in population databases (rs374106859, gnomAD 0.07%). This variant has not been reported in the literature in individuals affected with POLR1A-related conditions. ClinVar contains an entry for this variant (Variation ID: 1396265). Invitae Evidence Modeling of protein sequence and biophysical properties (such as structural, functional, and spatial information, amino acid conservation, physicochemical variation, residue mobility, and thermodynamic stability) indicates that this missense variant is not expected to disrupt POLR1A protein function with a negative predictive value of 80%. In summary, the available evidence is currently insufficient to determine the role of this variant in disease. Therefore, it has been classified as a Variant of Uncertain Significance.

Ambry Genetics
Classification: Uncertain significance for Inborn genetic diseases. Last evaluated: 2024-12-16. Review status: criteria provided, single submitter. Criteria: Ambry Variant Classification Scheme 2023. Collection method: clinical testing. Allele origin: germline.

NM_015425.6(POLR1A):c.3557A>C (p.Glu1186Ala)

Gene: POLR1A (RNA polymerase I subunit A; minus strand). Cytogenetic location: 2p11.2.
Variant type: single nucleotide variant.
Coding change: c.3557A>C on transcript NM_015425.6 (MANE Select); coding-DNA position 3557, A replaced by C.
Protein change: p.Glu1186Ala; replaces glutamic acid 1186 with alanine.
Molecular consequence: missense variant.
Genome position (GRCh38, 1-based): chr2:86,041,904, T>G on the plus strand (A>C on the coding strand, the complement: POLR1A is on the minus strand). VCF-style: chr2-86041904-T-G. GRCh37 (hg19) VCF-style: chr2-86269027-T-G.
Other names: c.3557A>C (NM_015425.3); short protein forms E1186A.
Identifiers: ClinVar variation 1396265 (VCV001396265.10), dbSNP rs374106859, ClinGen allele CA1745748.